The following is an entry in ClinVar:

NM_020919.4(ALS2):c.3223A>G (p.Met1075Val)

Gene: ALS2 (alsin Rho guanine nucleotide exchange factor ALS2; minus strand). Cytogenetic location: 2q33.1.
Variant type: single nucleotide variant.
Coding change: c.3223A>G on transcript NM_020919.4 (MANE Select); coding-DNA position 3223, A replaced by G.
Protein change: p.Met1075Val; replaces methionine 1075 with valine.
Molecular consequence: missense variant.
Genome position (GRCh38, 1-based): chr2:201,726,509, T>C on the plus strand (A>G on the coding strand, the complement: ALS2 is on the minus strand). VCF-style: chr2-201726509-T-C. GRCh37 (hg19) VCF-style: chr2-202591232-T-C.
Other names: short protein forms M1075V.
Identifiers: ClinVar variation 1331310 (VCV001331310.10), dbSNP rs542644790, ClinGen allele CA2057954.

ClinVar aggregate classification (germline): Uncertain significance. Review status: criteria provided, multiple submitters, no conflicts (2 of 4 stars). 3 submissions from 3 submitters: Uncertain significance (3). Last evaluated 2026-08-11.

Conditions:
Inborn genetic diseases. Identifiers: MedGen C0950123, MeSH D030342.
Infantile-onset ascending hereditary spastic paralysis (IAHSP). Also called: Infantile-Onset Ascending Hereditary Spastic Paralysis (IAHSP); Autosomal Recessive Juvenile Amyotrophic Lateral Sclerosis. Identifiers: Orphanet 293168, MedGen C2931441, MONDO:0011797, OMIM 607225. Disease mechanism: loss of function.

Allele frequency attached by ClinVar (database versions not stated): gnomAD exomes 0.00001; 1000 Genomes Project 0.00020; ExAC 0.00002; 1000 Genomes Project 30x 0.00031; gnomAD 0.00006 and 0.00005; TOPMed 0.00016.

Submissions (3):

GeneDx
Classification: Uncertain significance. Last evaluated: 2026-08-11. Review status: criteria provided, single submitter. Criteria: GeneDx Variant Classification Process June 2021. Collection method: clinical testing. Allele origin: germline.
Comment: Not observed at significant frequency in large population cohorts (gnomAD); In silico analysis suggests that this missense variant does not alter protein structure/function; Has not been previously published as pathogenic or benign to our knowledge

Ambry Genetics
Classification: Uncertain significance for Inborn genetic diseases. Last evaluated: 2024-09-10. Review status: criteria provided, single submitter. Criteria: Ambry Variant Classification Scheme 2023. Collection method: clinical testing. Allele origin: germline.

Labcorp Genetics (formerly Invitae), Labcorp
Classification: Uncertain significance for Infantile-onset ascending hereditary spastic paralysis. Last evaluated: 2022-10-13. Review status: criteria provided, single submitter. Criteria: Invitae Variant Classification Sherloc (09022015). Collection method: clinical testing. Allele origin: germline.
Comment: This sequence change replaces methionine, which is neutral and non-polar, with valine, which is neutral and non-polar, at codon 1075 of the ALS2 protein (p.Met1075Val). This variant is present in population databases (rs542644790, gnomAD 0.004%). This variant has not been reported in the literature in individuals affected with ALS2-related conditions. ClinVar contains an entry for this variant (Variation ID: 1331310). Advanced modeling of protein sequence and biophysical properties (such as structural, functional, and spatial information, amino acid conservation, physicochemical variation, residue mobility, and thermodynamic stability) performed at Invitae indicates that this missense variant is not expected to disrupt ALS2 protein function. In summary, the available evidence is currently insufficient to determine the role of this variant in disease. Therefore, it has been classified as a Variant of Uncertain Significance.